The following is an entry in ClinVar:

ClinVar aggregate classification (germline): Uncertain significance (1 of 4 stars; one submission).

gnomAD v4.1: 1 of 1,613,388 alleles (0.000062%); highest among the groups gnomAD compares: Admixed American, 0.0017%; no homozygotes.

Submission:

Labcorp Genetics (formerly Invitae), Labcorp
Classification: Uncertain significance. Last evaluated: 2021-02-22. Review status: criteria provided, single submitter. Criteria: Invitae Variant Classification Sherloc (09022015). Collection method: clinical testing. Allele origin: germline.
Comment: In summary, the available evidence is currently insufficient to determine the role of this variant in disease. Therefore, it has been classified as a Variant of Uncertain Significance. Algorithms developed to predict the effect of missense changes on protein structure and function (SIFT, PolyPhen-2, Align-GVGD) all suggest that this variant is likely to be disruptive, but these predictions have not been confirmed by published functional studies and their clinical significance is uncertain. This variant has not been reported in the literature in individuals with CAPN5-related conditions. This variant is not present in population databases (ExAC no frequency). This sequence change replaces leucine with proline at codon 610 of the CAPN5 protein (p.Leu610Pro). The leucine residue is highly conserved and there is a moderate physicochemical difference between leucine and proline.

NM_004055.5(CAPN5):c.1829T>C (p.Leu610Pro)

Gene: CAPN5 (calpain 5; plus strand). Cytogenetic location: 11q13.5.
Variant type: single nucleotide variant.
Coding change: c.1829T>C on transcript NM_004055.5 (MANE Select); coding-DNA position 1829, T replaced by C.
Protein change: p.Leu610Pro; replaces leucine 610 with proline.
Molecular consequence: missense variant.
Genome position (GRCh38, 1-based): chr11:77,123,776, T>C. VCF-style: chr11-77123776-T-C. GRCh37 (hg19) VCF-style: chr11-76834822-T-C.
Other names: short protein forms L610P.
Identifiers: ClinVar variation 1512751 (VCV001512751.8), dbSNP rs1555043353, ClinGen allele CA381945402.